The following is an entry in ClinVar:

NM_181486.4(TBX5):c.422C>G (p.Ser141Cys)

Gene: TBX5 (T-box transcription factor 5; minus strand). Cytogenetic location: 12q24.21.
Variant type: single nucleotide variant.
Coding change: c.422C>G on transcript NM_181486.4 (MANE Select); coding-DNA position 422, C replaced by G.
Protein change: p.Ser141Cys; replaces serine 141 with cysteine.
Molecular consequence: missense variant.
Genome position (GRCh38, 1-based): chr12:114,398,661, G>C on the plus strand (C>G on the coding strand, the complement: TBX5 is on the minus strand). VCF-style: chr12-114398661-G-C. GRCh37 (hg19) VCF-style: chr12-114836466-G-C.
Other names: c.422C>G, p.Ser141Cys (NM_000192.3); c.272C>G, p.Ser91Cys (NM_080717.4); short protein forms S91C, S141C.
Identifiers: ClinVar variation 2899856 (VCV002899856.4), dbSNP rs1871581681, ClinGen allele CA386862129.
Genomic context (GRCh38, chr12:114,398,661, plus strand): 5'-GTGAGCTTGAGTTTCTGGAAGGAGACGAGCTGCCTCATCCAATGCGCCCCGGTGGCGGGG[G>C]AGTCTGGGTGCACGTACAGGCGGCCAGGCATGGCGGGCTCAGCTTTGCCCGTCACAGACC-3'
Protein context (NP_852259.1, residues 131-151): MPGRLYVHPD[Ser141Cys]PATGAHWMRQ

ClinVar aggregate classification (germline): Uncertain significance. Review status: criteria provided, multiple submitters, no conflicts (2 of 4 stars). 2 submissions from 2 submitters: Uncertain significance (2). Last evaluated 2024-04-09.

Conditions:
Aortic valve disease 2 (AOVD2). Identifiers: MedGen C3542024, MONDO:0013902, OMIM 614823.
Cardiovascular phenotype. Identifiers: MedGen CN230736.

Allele frequency attached by ClinVar (database versions not stated): TOPMed below 0.00001; gnomAD 0.00001.
gnomAD v4.1: 3 of 1,613,088 alleles (0.00019%); highest among the groups gnomAD compares: Non-Finnish European, 0.00025%; no homozygotes.

Submissions (2):

Ambry Genetics
Classification: Uncertain significance for Cardiovascular phenotype. Last evaluated: 2024-04-09. Review status: criteria provided, single submitter. Criteria: Ambry Variant Classification Scheme 2023. Collection method: clinical testing. Allele origin: germline.
Comment: The p.S141C variant (also known as c.422C>G), located in coding exon 4 of the TBX5 gene, results from a C to G substitution at nucleotide position 422. The serine at codon 141 is replaced by cysteine, an amino acid with dissimilar properties. This amino acid position is conserved. In addition, this alteration is predicted to be deleterious by in silico analysis. Based on the available evidence, the clinical significance of this variant remains unclear.

Labcorp Genetics (formerly Invitae), Labcorp
Classification: Uncertain significance for Aortic valve disease 2. Last evaluated: 2023-06-15. Review status: criteria provided, single submitter. Criteria: Invitae Variant Classification Sherloc (09022015). Collection method: clinical testing. Allele origin: germline.
Comment: In summary, the available evidence is currently insufficient to determine the role of this variant in disease. Therefore, it has been classified as a Variant of Uncertain Significance. Advanced modeling of protein sequence and biophysical properties (such as structural, functional, and spatial information, amino acid conservation, physicochemical variation, residue mobility, and thermodynamic stability) has been performed at Invitae for this missense variant, however the output from this modeling did not meet the statistical confidence thresholds required to predict the impact of this variant on TBX5 protein function. This variant has not been reported in the literature in individuals affected with TBX5-related conditions. This variant is not present in population databases (gnomAD no frequency). This sequence change replaces serine, which is neutral and polar, with cysteine, which is neutral and slightly polar, at codon 141 of the TBX5 protein (p.Ser141Cys).